The following is an entry in ClinVar:

NM_144997.7(FLCN):c.977C>G (p.Pro326Arg)

Gene: FLCN (folliculin; minus strand). Cytogenetic location: 17p11.2.
Variant type: single nucleotide variant.
Coding change: c.977C>G on transcript NM_144997.7 (MANE Select); coding-DNA position 977, C replaced by G.
Protein change: p.Pro326Arg; replaces proline 326 with arginine.
Molecular consequence: missense variant.
Genome position (GRCh38, 1-based): chr17:17,219,104, G>C on the plus strand (C>G on the coding strand, the complement: FLCN is on the minus strand). VCF-style: chr17-17219104-G-C. GRCh37 (hg19) VCF-style: chr17-17122418-G-C.
Other names: c.1031C>G, p.Pro344Arg (NM_001353229.2); c.977C>G, p.Pro326Arg (NM_001353230.2, NM_001353231.2); short protein forms P344R, P326R.
Identifiers: ClinVar variation 849301 (VCV000849301.8), dbSNP rs138031155, ClinGen allele CA398532887.
Genomic context (GRCh38, chr17:17,219,104, plus strand): 5'-AAGACTGGCAGCTTCCGGGGCTGCCAGCTCCCACAGCCTGAGAGAGAGGAGGACTCTGCC[G>C]GGCCCTGGGTCAGCTCCCGCCCTTCTGTACTCTCTGGCAACACAGGGGCTTTCTCCTCCT-3'
Protein context (NP_659434.2, residues 316-336): STEGRELTQG[Pro326Arg]AESSSLSGCG

ClinVar aggregate classification (germline): Uncertain significance. Review status: criteria provided, multiple submitters, no conflicts (2 of 4 stars). 2 submissions from 2 submitters: Uncertain significance (2). Last evaluated 2026-02-02.

Conditions:
Birt-Hogg-Dube syndrome. Also called: Birt Hogg Dubé syndrome. Identifiers: Orphanet 122, MedGen C0346010, MONDO:0800444.
Hereditary cancer-predisposing syndrome. Also called: Neoplastic Syndromes, Hereditary; Hereditary Cancer Syndrome; Hereditary neoplastic syndrome; Tumor predisposition. Identifiers: Orphanet 140162, MedGen C0027672, MeSH D009386, MONDO:0015356.

Submissions (2):

Labcorp Genetics (formerly Invitae), Labcorp
Classification: Uncertain significance for Birt-Hogg-Dube syndrome. Last evaluated: 2026-02-02. Review status: criteria provided, single submitter. Criteria: Invitae Variant Classification Sherloc (09022015). Collection method: clinical testing. Allele origin: germline.
Comment: This sequence change replaces proline, which is neutral and non-polar, with arginine, which is basic and polar, at codon 326 of the FLCN protein (p.Pro326Arg). This variant is not present in population databases (gnomAD no frequency). This variant has not been reported in the literature in individuals affected with FLCN-related conditions. ClinVar contains an entry for this variant (Variation ID: 849301). An algorithm developed to predict the effect of missense changes on protein structure and function (PolyPhen-2) suggests that this variant is likely to be tolerated. In summary, the available evidence is currently insufficient to determine the role of this variant in disease. Therefore, it has been classified as a Variant of Uncertain Significance.

Ambry Genetics
Classification: Uncertain significance for Hereditary cancer-predisposing syndrome. Last evaluated: 2025-11-11. Review status: criteria provided, single submitter. Criteria: Ambry Variant Classification Scheme 2023. Collection method: clinical testing. Allele origin: germline.
Comment: The p.P326R variant (also known as c.977C>G), located in coding exon 6 of the FLCN gene, results from a C to G substitution at nucleotide position 977. The proline at codon 326 is replaced by arginine, an amino acid with dissimilar properties. This amino acid position is conserved. In addition, this alteration is predicted to be tolerated by in silico analysis. Based on the available evidence, the clinical significance of this variant remains unclear.